The following is an entry in ClinVar:

NM_001369.3(DNAH5):c.3799C>T (p.Gln1267Ter)

Genes: DNAH5-AS1 (DNAH5 antisense RNA 1; plus strand), DNAH5 (dynein axonemal heavy chain 5; minus strand). Cytogenetic location: 5p15.2.
Variant type: single nucleotide variant.
Coding change: c.3799C>T on transcript NM_001369.3 (MANE Select); coding-DNA position 3799, C replaced by T.
Protein change: p.Gln1267Ter; replaces glutamine 1267 with a stop codon.
Molecular consequence: nonsense.
Genome position (GRCh38, 1-based): chr5:13,870,802, G>A on the plus strand (C>T on the coding strand, the complement: DNAH5 is on the minus strand). VCF-style: chr5-13870802-G-A. GRCh37 (hg19) VCF-style: chr5-13870911-G-A.
Other names: short protein forms Q1267*.
Identifiers: ClinVar variation 1726720 (VCV001726720.2), dbSNP rs2546995623, ClinGen allele CA359231400.

ClinVar aggregate classification (germline): Likely pathogenic (1 of 4 stars; one submission).

Conditions:
Primary ciliary dyskinesia 3. Identifiers: Orphanet 244, MedGen C1837618, MONDO:0012085, OMIM 608644.

Submission:

Myriad Genetics, Inc.
Classification: Likely pathogenic for Primary ciliary dyskinesia 3. Last evaluated: 2021-12-31. Review status: criteria provided, single submitter. Criteria: Myriad Women's Health Autosomal Recessive and X-Linked Classification Criteria (2021). Collection method: clinical testing. Allele origin: unknown.
Comment: NM_001369.2(DNAH5):c.3799C>T(Q1267*) is expected to be pathogenic in the context of DNAH5-related primary ciliary dyskinesia. This variant is predicted to lead to an abnormal or absent protein product due to the creation of a premature termination codon in DNAH5, a gene where loss-of-function variants are known to be pathogenic. Please note: this variant was assessed in the context of healthy population screening.